The following is an entry in ClinVar:

NM_001903.5(CTNNA1):c.2126G>A (p.Gly709Asp)

Gene: CTNNA1 (catenin alpha 1; plus strand). Cytogenetic location: 5q31.2.
Variant type: single nucleotide variant.
Coding change: c.2126G>A on transcript NM_001903.5 (MANE Select); coding-DNA position 2126, G replaced by A.
Protein change: p.Gly709Asp; replaces glycine 709 with aspartic acid.
Molecular consequence: missense variant.
Genome position (GRCh38, 1-based): chr5:138,930,588, G>A. VCF-style: chr5-138930588-G-A. GRCh37 (hg19) VCF-style: chr5-138266277-G-A.
Other names: c.2126G>A, p.Gly709Asp (NM_001290307.3, NM_001323982.2, NM_001323983.1 and 2 more transcripts); c.1817G>A, p.Gly606Asp (NM_001290309.3); c.1757G>A, p.Gly586Asp (NM_001290310.3); c.1016G>A, p.Gly339Asp (NM_001290312.1, NM_001323987.1, NM_001323988.1 and 17 more transcripts); c.2033G>A, p.Gly678Asp (NM_001323986.2); c.677G>A, p.Gly226Asp (NM_001324006.1, NM_001324007.1, NM_001324008.1 and 2 more transcripts); c.923G>A, p.Gly308Asp (NM_001324011.1); c.773G>A, p.Gly258Asp (NM_001324012.1, NM_001324013.1); short protein forms G226D, G258D, G308D, G339D, G586D, G678D, G709D, G606D.
Identifiers: ClinVar variation 2625478 (VCV002625478.2), dbSNP rs2150334736, ClinGen allele CA361133566.
Genomic context (GRCh38, chr5:138,930,588, plus strand): 5'-CCAGCTTCCAGGAAGAAAAGAGCAAGCTGGATGCTGAAGTGTCCAAATGGGACGACAGTG[G>A]CAATGACATCATTGTGCTGGCCAAGCAGATGTGCATGATTATGATGGAGATGACAGACTT-3'
Protein context (NP_001894.2, residues 699-719): DAEVSKWDDS[Gly709Asp]NDIIVLAKQM

ClinVar aggregate classification (germline): Uncertain significance (1 of 4 stars; one submission).

Conditions:
Hereditary cancer-predisposing syndrome. Also called: Tumor predisposition; Hereditary Cancer Syndrome; Hereditary neoplastic syndrome; Neoplastic Syndromes, Hereditary. Identifiers: Orphanet 140162, MedGen C0027672, MeSH D009386, MONDO:0015356.

Submission:

Ambry Genetics
Classification: Uncertain significance for Hereditary cancer-predisposing syndrome. Last evaluated: 2023-07-15. Review status: criteria provided, single submitter. Criteria: Ambry Variant Classification Scheme 2023. Collection method: clinical testing. Allele origin: germline.
Comment: The p.G709D variant (also known as c.2126G>A), located in coding exon 14 of the CTNNA1 gene, results from a G to A substitution at nucleotide position 2126. The glycine at codon 709 is replaced by aspartic acid, an amino acid with similar properties. This amino acid position is conserved. In addition, this alteration is predicted to be deleterious by in silico analysis. Since supporting evidence is limited at this time, the clinical significance of this alteration remains unclear.